The following is an entry in ClinVar:

NM_000535.7(PMS2):c.759_764del (p.Glu253_Tyr255delinsAsp)

Gene: PMS2 (PMS1 homolog 2, mismatch repair system component; minus strand). Cytogenetic location: 7p22.1.
Variant type: Deletion.
Coding change: c.759_764del on transcript NM_000535.7 (MANE Select); coding-DNA positions 759 to 764, 6 bases deleted (AGAGTA; older notation c.759_764delAGAGTA).
Protein change: p.Glu253_Tyr255delinsAsp.
Molecular consequence: inframe indel. On other transcripts: 5 prime UTR variant (2), non-coding transcript variant (1).
Genome position (GRCh38, 1-based): chr7:5,997,365-5,997,370, TACTCT deleted on the plus strand (AGAGTA on the coding strand, the reverse complement: PMS2 is on the minus strand); deleting any 6 consecutive bases within chr7:5,997,365-5,997,371 gives the same sequence; the c. name uses the placement nearest the transcript's 3' end. VCF-style (leftmost placement, unchanged base first): chr7-5997364-GTACTCT-G. GRCh37 (hg19) VCF-style: chr7-6036995-GTACTCT-G.
Other names: c.759_764del (NM_000535.5, NM_000535.6); c.354_359del, p.Glu118_Tyr120delinsAsp (NM_001322003.2, NM_001322004.2, NM_001322005.2 and 2 more transcripts); c.759_764del, p.Glu253_Tyr255delinsAsp (NM_001322006.2, NM_001322014.2); c.441_446del, p.Glu147_Tyr149delinsAsp (NM_001322007.2, NM_001322008.2); c.-175_-170del (NM_001322011.2, NM_001322012.2); c.186_191del, p.Glu62_Tyr64delinsAsp (NM_001322013.2); c.450_455del, p.Glu150_Tyr152delinsAsp (NM_001322015.2).
Identifiers: ClinVar variation 566935 (VCV000566935.18), dbSNP rs1562670309, ClinGen allele CA891843336.
Genomic context (GRCh38, chr7:5,997,364, plus strand): 5'-CTCTTGCCAGCAATCTACTTACTAAAAAAGATTATGCAGAGCATCGGAACAGCTCAAACC[GTACTCT>G]TCACACACGGAGTCACTAGGGGGCAGCTGAACAAAAGGAATGAGGCTTTGCAACTGAAAA-3'

ClinVar aggregate classification (germline): Uncertain significance. Review status: criteria provided, multiple submitters, no conflicts (2 of 4 stars). 4 submissions from 4 submitters: Uncertain significance (4). Last evaluated 2025-10-06.

Conditions:
Hereditary nonpolyposis colorectal neoplasms. Identifiers: MedGen C0009405, MeSH D003123.
Hereditary cancer-predisposing syndrome. Also called: Neoplastic Syndromes, Hereditary; Tumor predisposition; Hereditary neoplastic syndrome; Hereditary Cancer Syndrome. Identifiers: Orphanet 140162, MedGen C0027672, MeSH D009386, MONDO:0015356.

Submissions (4):

Color Diagnostics, LLC DBA Color Health
Classification: Uncertain significance for Hereditary cancer-predisposing syndrome. Last evaluated: 2025-10-06. Review status: criteria provided, single submitter. Criteria: ACMG Guidelines, 2015. Collection method: clinical testing. Allele origin: germline.
Comment: This variant causes the deletion of three amino acids at positions 253-255 in the PMS2 protein and replaces them with an aspartic acid. To our knowledge, functional studies have not been reported for this variant. This variant has not been reported in individuals affected with PMS2-related disorders in the literature. This variant has not been identified in the general population by the Genome Aggregation Database (gnomAD). The available evidence is insufficient to determine the role of this variant in disease conclusively. Therefore, this variant is classified as a Variant of Uncertain Significance.

Labcorp Genetics (formerly Invitae), Labcorp
Classification: Uncertain significance for Hereditary nonpolyposis colorectal neoplasms. Last evaluated: 2025-09-27. Review status: criteria provided, single submitter. Criteria: Invitae Variant Classification Sherloc (09022015). Collection method: clinical testing. Allele origin: germline.
Comment: This variant, c.759_764del, is a complex sequence change that results in the deletion of 2 amino acids and insertion of 1 amino acid(s) in the PMS2 protein (p.Glu253_Tyr255delinsAsp). This variant is not present in population databases (gnomAD no frequency). This variant has not been reported in the literature in individuals affected with PMS2-related conditions. ClinVar contains an entry for this variant (Variation ID: 566935). Experimental studies and prediction algorithms are not available or were not evaluated, and the functional significance of this variant is currently unknown. In summary, the available evidence is currently insufficient to determine the role of this variant in disease. Therefore, it has been classified as a Variant of Uncertain Significance.

Quest Diagnostics Nichols Institute San Juan Capistrano
Classification: Uncertain significance. Last evaluated: 2025-02-06. Review status: criteria provided, single submitter. Criteria: Quest Diagnostics criteria. Collection method: clinical testing. Allele origin: unknown.
Comment: The PMS2 c.759_764del (p.Glu253_Tyr255delinsAsp) variant has not been reported in individuals with PMS2-related conditions in the published literature. It also has not been reported in large, multi-ethnic general populations (Genome Aggregation Database). Based on the available information, we are unable to determine the clinical significance of this variant.

Ambry Genetics
Classification: Uncertain significance for Hereditary cancer-predisposing syndrome. Last evaluated: 2024-05-08. Review status: criteria provided, single submitter. Criteria: Ambry Variant Classification Scheme 2023. Collection method: clinical testing. Allele origin: germline.
Comment: The c.759_764delAGAGTA variant (also known as p.E253_Y255delinsD) is located in coding exon 7 of the PMS2 gene. This variant results from an in-frame AGAGTA deletion at nucleotide positions 759 to 764. This results in the deletion of two amino acids and the insertion of one amino acid between codons 253 and 255. This amino acid region is well conserved in available vertebrate species. In addition, this alteration is predicted to be deleterious by in silico analysis (Choi Y et al. PLoS ONE. 2012; 7(10):e46688). Based on the available evidence, the clinical significance of this variant remains unclear.